The following is an entry in ClinVar:

ClinVar aggregate classification (germline): Benign/Likely benign. Review status: criteria provided, multiple submitters, no conflicts (2 of 4 stars). 3 submissions from 3 submitters: Benign (1); Likely benign (2). Last evaluated 2026-05-06.

Conditions:
Colorectal cancer, hereditary nonpolyposis, type 7. Identifiers: Orphanet 144, MedGen C1858380, MONDO:0013725, OMIM 614385.

Allele frequency attached by ClinVar (database versions not stated): ExAC 0.00001; gnomAD 0.00001; TOPMed 0.00001; gnomAD exomes below 0.00001.
gnomAD v4.1: 8 of 1,613,790 alleles (0.0005%); highest among the groups gnomAD compares: African/African-American, 0.0027%; no homozygotes.

Submissions (3):

Myriad Genetics, Inc.
Classification: Benign for Colorectal cancer, hereditary nonpolyposis, type 7. Last evaluated: 2026-05-06. Review status: criteria provided, single submitter. Criteria: Myriad Autosomal Dominant, Autosomal Recessive and X-Linked Classification Criteria (2023). Collection method: clinical testing. Allele origin: unknown.
Comment: This variant is considered benign. This variant is a silent/synonymous amino acid change and it is not expected to impact splicing.

Labcorp Genetics (formerly Invitae), Labcorp
Classification: Likely benign for Colorectal cancer, hereditary nonpolyposis, type 7. Last evaluated: 2024-05-08. Review status: criteria provided, single submitter. Criteria: Invitae Variant Classification Sherloc (09022015). Collection method: clinical testing. Allele origin: germline.

Ambry Genetics
Classification: Likely benign. Last evaluated: 2021-12-23. Review status: criteria provided, single submitter. Criteria: Ambry Variant Classification Scheme 2023. Collection method: clinical testing. Allele origin: germline.

NM_001040108.2(MLH3):c.3657C>T (p.Leu1219=)

Gene: MLH3 (mutL homolog 3; minus strand). Cytogenetic location: 14q24.3.
Variant type: single nucleotide variant.
Coding change: c.3657C>T on transcript NM_001040108.2 (MANE Select); coding-DNA position 3657, C replaced by T.
Protein change: p.Leu1219=; no amino-acid change (leucine 1219 retained).
Molecular consequence: synonymous variant. On other transcripts: intron variant (1).
Genome position (GRCh38, 1-based): chr14:75,033,477, G>A on the plus strand (C>T on the coding strand, the complement: MLH3 is on the minus strand). VCF-style: chr14-75033477-G-A. GRCh37 (hg19) VCF-style: chr14-75500180-G-A.
Other names: c.3644-1298C>T (NM_014381.3).
Identifiers: ClinVar variation 1733634 (VCV001733634.8), dbSNP rs760112108, ClinGen allele CA7275366.